The following is an entry in ClinVar:

ClinVar aggregate classification (germline): Uncertain significance (1 of 4 stars; one submission).

Conditions:
Idiopathic Pulmonary Fibrosis. Also called: Idiopathic fibrosing alveolitis, chronic form; idiopathic fibrosing alveolitis. Identifiers: Orphanet 2032, MedGen C1800706, MeSH D054990, MONDO:0800504.
Dyskeratosis congenita, autosomal dominant 2. Identifiers: MedGen C3151443, MONDO:0013521, OMIM 613989.

Allele frequency attached by ClinVar (database versions not stated): gnomAD exomes below 0.00001; TOPMed below 0.00001.
gnomAD v4.1: 2 of 1,614,178 alleles (0.00012%); highest among the groups gnomAD compares: Non-Finnish European, 0.00017%; no homozygotes.

Submission:

Labcorp Genetics (formerly Invitae), Labcorp
Classification: Uncertain significance for Dyskeratosis congenita, autosomal dominant 2; Idiopathic Pulmonary Fibrosis. Last evaluated: 2023-09-17. Review status: criteria provided, single submitter. Criteria: Invitae Variant Classification Sherloc (09022015). Collection method: clinical testing. Allele origin: germline.
Comment: In summary, the available evidence is currently insufficient to determine the role of this variant in disease. Therefore, it has been classified as a Variant of Uncertain Significance. This sequence change replaces isoleucine, which is neutral and non-polar, with valine, which is neutral and non-polar, at codon 733 of the TERT protein (p.Ile733Val). This variant is not present in population databases (gnomAD no frequency). This variant has not been reported in the literature in individuals affected with TERT-related conditions. ClinVar contains an entry for this variant (Variation ID: 1430747). Advanced modeling of protein sequence and biophysical properties (such as structural, functional, and spatial information, amino acid conservation, physicochemical variation, residue mobility, and thermodynamic stability) performed at Invitae indicates that this missense variant is expected to disrupt TERT protein function.

NM_198253.3(TERT):c.2197A>G (p.Ile733Val)

Gene: TERT (telomerase reverse transcriptase; minus strand). Cytogenetic location: 5p15.33.
Variant type: single nucleotide variant.
Coding change: c.2197A>G on transcript NM_198253.3 (MANE Select); coding-DNA position 2197, A replaced by G.
Protein change: p.Ile733Val; replaces isoleucine 733 with valine.
Molecular consequence: missense variant. On other transcripts: non-coding transcript variant (2).
Genome position (GRCh38, 1-based): chr5:1,278,730, T>C on the plus strand (A>G on the coding strand, the complement: TERT is on the minus strand). VCF-style: chr5-1278730-T-C. GRCh37 (hg19) VCF-style: chr5-1278845-T-C.
Other names: c.2197A>G, p.Ile733Val (NM_001193376.3); short protein forms I733V.
Identifiers: ClinVar variation 1430747 (VCV001430747.8), dbSNP rs1749791069, ClinGen allele CA359079452.